The following is an entry in ClinVar:

NM_003072.5(SMARCA4):c.607G>A (p.Ala203Thr)

Gene: SMARCA4 (SWI/SNF related BAF chromatin remodeling complex subunit ATPase 4; plus strand). Cytogenetic location: 19p13.2.
Variant type: single nucleotide variant.
Coding change: c.607G>A on transcript NM_003072.5 (MANE Select); coding-DNA position 607, G replaced by A.
Protein change: p.Ala203Thr; replaces alanine 203 with threonine.
Molecular consequence: missense variant. On other transcripts: non-coding transcript variant (1).
Genome position (GRCh38, 1-based): chr19:10,986,440, G>A. VCF-style: chr19-10986440-G-A. GRCh37 (hg19) VCF-style: chr19-11097116-G-A.
Other names: c.607G>A, p.Ala203Thr (NM_001128844.3, NM_001128845.2, NM_001128846.2 and 5 more transcripts); short protein forms A203T.
Identifiers: ClinVar variation 1036626 (VCV001036626.8), dbSNP rs2086039624, ClinGen allele CA404056556.
Genomic context (GRCh38, chr19:10,986,440, plus strand): 5'-CAGATCATGGCCTACAAGATGCTGGCCAGGGGGCAGCCCCTCCCCGACCACCTGCAGATG[G>A]CGGTGCAGGGCAAGCGGCCGATGCCCGGGATGCAGCAGCAGATGCCAACGCTACCTCCAC-3'
Protein context (NP_003063.2, residues 193-213): GQPLPDHLQM[Ala203Thr]VQGKRPMPGM

ClinVar aggregate classification (germline): Uncertain significance (1 of 4 stars; one submission).

Conditions:
Rhabdoid tumor predisposition syndrome 2 (RTPS2). Identifiers: Orphanet 231108, Orphanet 69077, MedGen C2750074, MONDO:0013224, OMIM 613325.

Allele frequency attached by ClinVar (database versions not stated): gnomAD exomes below 0.00001.
gnomAD v4.1: 1 of 1,567,738 alleles (0.000064%); highest among the groups gnomAD compares: Non-Finnish European, 0.000086%; no homozygotes.

Submission:

Labcorp Genetics (formerly Invitae), Labcorp
Classification: Uncertain significance for Rhabdoid tumor predisposition syndrome 2. Last evaluated: 2022-02-19. Review status: criteria provided, single submitter. Criteria: Invitae Variant Classification Sherloc (09022015). Collection method: clinical testing. Allele origin: germline.
Comment: This sequence change replaces alanine, which is neutral and non-polar, with threonine, which is neutral and polar, at codon 203 of the SMARCA4 protein (p.Ala203Thr). In summary, the available evidence is currently insufficient to determine the role of this variant in disease. Therefore, it has been classified as a Variant of Uncertain Significance. Algorithms developed to predict the effect of missense changes on protein structure and function (SIFT, PolyPhen-2, Align-GVGD) all suggest that this variant is likely to be disruptive. ClinVar contains an entry for this variant (Variation ID: 1036626). This variant has not been reported in the literature in individuals affected with SMARCA4-related conditions. This variant is not present in population databases (gnomAD no frequency).